The following is an entry in ClinVar:

NM_003036.4(SKI):c.237C>G (p.Ile79Met)

Gene: SKI (SKI proto-oncogene; plus strand). Cytogenetic location: 1p36.33.
Variant type: single nucleotide variant.
Coding change: c.237C>G on transcript NM_003036.4 (MANE Select); coding-DNA position 237, C replaced by G.
Protein change: p.Ile79Met; replaces isoleucine 79 with methionine.
Molecular consequence: missense variant.
Genome position (GRCh38, 1-based): chr1:2,229,003, C>G. VCF-style: chr1-2229003-C-G. GRCh37 (hg19) VCF-style: chr1-2160442-C-G.
Other names: c.237C>G (NM_003036.3); short protein forms I79M.
Identifiers: ClinVar variation 1709812 (VCV001709812.3), dbSNP rs1288618920, ClinGen allele CA337952370.

ClinVar aggregate classification (germline): Conflicting classifications of pathogenicity. Review status: criteria provided, conflicting classifications (1 of 4 stars). 2 submissions from 2 submitters: Uncertain significance (1); Likely benign (1). Last evaluated 2026-07-19.

Conditions:
Familial thoracic aortic aneurysm and aortic dissection (TAAD). Also called: Thoracic aortic aneurysms and dissections. Identifiers: Orphanet 91387, MedGen C4707243, MONDO:0019625.
Shprintzen-Goldberg syndrome (SGS). Also called: SHPRINTZEN-GOLDBERG CRANIOSYNOSTOSIS SYNDROME; CRANIOSYNOSTOSIS WITH ARACHNODACTYLY AND ABDOMINAL HERNIAS; Marfanoid disorder with craniosynostosis type 1; Marfanoid craniosynostosis syndrome; Shprintzen-Goldberg marfanoid syndrome. Identifiers: Orphanet 2462, MedGen C1321551, MONDO:0008426, OMIM 182212.

gnomAD v4.1: 1 of 1,568,358 alleles (0.000064%); highest among the groups gnomAD compares: Non-Finnish European, 0.000086%; no homozygotes.

Submissions (2):

Ambry Genetics
Classification: Uncertain significance for Familial thoracic aortic aneurysm and aortic dissection. Last evaluated: 2026-07-19. Review status: criteria provided, single submitter. Criteria: Ambry Variant Classification Scheme 2023. Collection method: clinical testing. Allele origin: germline.
Comment: The p.I79M variant (also known as c.237C>G), located in coding exon 1 of the SKI gene, results from a C to G substitution at nucleotide position 237. The isoleucine at codon 79 is replaced by methionine, an amino acid with highly similar properties. This amino acid position is conserved. In addition, this alteration is predicted to be tolerated by in silico analysis. Based on the available evidence, the clinical significance of this variant remains unclear.

MGZ Medical Genetics Center
Classification: Likely benign for Shprintzen-Goldberg syndrome. Last evaluated: 2021-08-17. Review status: criteria provided, single submitter. Criteria: ACMG Guidelines, 2015. Collection method: clinical testing. Allele origin: germline. Affected: yes. Observed: 1 variant allele.
Comment: ACMG criteria applied: PM2_SUP, BS2, BP4